The following is an entry in ClinVar:

NM_001122681.2(SH3BP2):c.1488G>A (p.Lys496=)

Gene: SH3BP2 (SH3 domain binding protein 2; plus strand). Cytogenetic location: 4p16.3.
Variant type: single nucleotide variant.
Coding change: c.1488G>A on transcript NM_001122681.2 (MANE Select); coding-DNA position 1488, G replaced by A.
Protein change: p.Lys496=; no amino-acid change (lysine 496 retained).
Molecular consequence: synonymous variant.
Genome position (GRCh38, 1-based): chr4:2,832,412, G>A. VCF-style: chr4-2832412-G-A. GRCh37 (hg19) VCF-style: chr4-2834139-G-A.
Other names: c.1572G>A, p.Lys524= (NM_001145855.2); c.1659G>A, p.Lys553= (NM_001145856.2); c.1488G>A, p.Lys496= (NM_003023.4).
Identifiers: ClinVar variation 967595 (VCV000967595.8), dbSNP rs748012203, ClinGen allele CA2819564.

ClinVar aggregate classification (germline): Uncertain significance (1 of 4 stars; one submission).

Conditions:
Fibrous dysplasia of jaw (CRBM). Also called: Cherubism. Identifiers: Orphanet 184, MedGen C0008029, MONDO:0007315, OMIM 118400.

Allele frequency attached by ClinVar (database versions not stated): TOPMed below 0.00001; ExAC 0.00001; gnomAD 0.00001; gnomAD exomes 0.00001.
gnomAD v4.1: 19 of 1,613,628 alleles (0.0012%); highest among the groups gnomAD compares: Non-Finnish European, 0.0015%; no homozygotes.

Submissions (2):

Labcorp Genetics (formerly Invitae), Labcorp
Classification: Uncertain significance for Fibrous dysplasia of jaw. Last evaluated: 2022-09-06. Review status: criteria provided, single submitter. Criteria: Invitae Variant Classification Sherloc (09022015). Collection method: clinical testing. Allele origin: germline.
Comment: This sequence change affects codon 496 of the SH3BP2 mRNA. It is a 'silent' change, meaning that it does not change the encoded amino acid sequence of the SH3BP2 protein. This variant also falls at the last nucleotide of exon 11, which is part of the consensus splice site for this exon. This variant is present in population databases (rs748012203, gnomAD 0.002%). This variant has not been reported in the literature in individuals affected with SH3BP2-related conditions. ClinVar contains an entry for this variant (Variation ID: 967595). Variants that disrupt the consensus splice site are a relatively common cause of aberrant splicing (PMID: 17576681, 9536098). Algorithms developed to predict the effect of sequence changes on RNA splicing suggest that this variant is not likely to affect RNA splicing. In summary, the available evidence is currently insufficient to determine the role of this variant in disease. Therefore, it has been classified as a Variant of Uncertain Significance.

Dr. Peter K. Rogan Lab, Western University
No classification provided (evidence only). Condition: Uveal melanoma. Review status: no classification provided. Collection method: in vitro. Allele origin: not applicable. Functional consequence: retained intron. Not counted in ClinVar's aggregate classification.

Literature cited by the submitters: PubMed 17576681 (cited by Labcorp Genetics (formerly Invitae), Labcorp); PubMed 9536098 (cited by Labcorp Genetics (formerly Invitae), Labcorp).